The following is an entry in ClinVar:

ClinVar aggregate classification (germline): Uncertain significance. Review status: criteria provided, multiple submitters, no conflicts (2 of 4 stars). 3 submissions from 3 submitters: Uncertain significance (3). Last evaluated 2026-03-31.

Conditions:
ENHANCED S-CONE SYNDROME 1 (ESCS1). Also called: RETINOSCHISIS WITH EARLY HEMERALOPIA; FAVRE HYALOIDEORETINAL DEGENERATION. Identifiers: MedGen CN380299, OMIM 268100.
Inborn genetic diseases. Identifiers: MedGen C0950123, MeSH D030342.

Allele frequency attached by ClinVar (database versions not stated): gnomAD exomes 0.00001 and 0.00002; TOPMed 0.00001; ExAC 0.00003.
gnomAD v4.1: 13 of 1,580,642 alleles (0.00082%); highest among the groups gnomAD compares: Middle Eastern, 0.017%; no homozygotes.

Submissions (3):

Myriad Genetics, Inc.
Classification: Uncertain significance for ENHANCED S-CONE SYNDROME 1. Last evaluated: 2026-03-31. Review status: criteria provided, single submitter. Criteria: Myriad Autosomal Dominant, Autosomal Recessive and X-Linked Classification Criteria (2023). Collection method: clinical testing. Allele origin: unknown.
Comment: NM_014249.2(NR2E3):c.163A>G(S55G) is a missense variant classified as a variant of uncertain significance in the context of enhanced S-cone syndrome. S55G has not been observed in cases with relevant disease. Relevant functional assessments of this variant are not available in the literature. S55G has been observed in referenced population frequency databases. In summary, there is insufficient evidence to classify NM_014249.2(NR2E3):c.163A>G(S55G) as pathogenic or benign. Please note: this variant was assessed in the context of healthy population screening.

Labcorp Genetics (formerly Invitae), Labcorp
Classification: Uncertain significance. Last evaluated: 2026-02-01. Review status: criteria provided, single submitter. Criteria: Invitae Variant Classification Sherloc (09022015). Collection method: clinical testing. Allele origin: germline.
Comment: This sequence change replaces serine, which is neutral and polar, with glycine, which is neutral and non-polar, at codon 55 of the NR2E3 protein (p.Ser55Gly). This variant is present in population databases (rs749383991, gnomAD 0.02%). This variant has not been reported in the literature in individuals affected with NR2E3-related conditions. ClinVar contains an entry for this variant (Variation ID: 1424225). Invitae Evidence Modeling of protein sequence and biophysical properties (such as structural, functional, and spatial information, amino acid conservation, physicochemical variation, residue mobility, and thermodynamic stability) indicates that this missense variant is expected to disrupt NR2E3 protein function with a positive predictive value of 80%. In summary, the available evidence is currently insufficient to determine the role of this variant in disease. Therefore, it has been classified as a Variant of Uncertain Significance.

Ambry Genetics
Classification: Uncertain significance for Inborn genetic diseases. Last evaluated: 2023-03-01. Review status: criteria provided, single submitter. Criteria: Ambry Variant Classification Scheme 2023. Collection method: clinical testing. Allele origin: germline.

NM_014249.4(NR2E3):c.163A>G (p.Ser55Gly)

Gene: NR2E3 (nuclear receptor subfamily 2 group E member 3; plus strand). Cytogenetic location: 15q23.
Variant type: single nucleotide variant.
Coding change: c.163A>G on transcript NM_014249.4 (MANE Select); coding-DNA position 163, A replaced by G.
Protein change: p.Ser55Gly; replaces serine 55 with glycine.
Molecular consequence: missense variant.
Genome position (GRCh38, 1-based): chr15:71,811,527, A>G. VCF-style: chr15-71811527-A-G. GRCh37 (hg19) VCF-style: chr15-72103867-A-G.
Other names: c.163A>G, p.Ser55Gly (NM_016346.4); c.163A>G (NM_014249.2); short protein forms S55G.
Identifiers: ClinVar variation 1424225 (VCV001424225.6), dbSNP rs749383991, ClinGen allele CA7640230.